The following is an entry in ClinVar:

NM_000179.3(MSH6):c.2462T>C (p.Leu821Pro)

Gene: MSH6 (mutS homolog 6; plus strand). Cytogenetic location: 2p16.3.
Variant type: single nucleotide variant.
Coding change: c.2462T>C on transcript NM_000179.3 (MANE Select); coding-DNA position 2462, T replaced by C.
Protein change: p.Leu821Pro; replaces leucine 821 with proline.
Molecular consequence: missense variant.
Genome position (GRCh38, 1-based): chr2:47,800,445, T>C. VCF-style: chr2-47800445-T-C. GRCh37 (hg19) VCF-style: chr2-48027584-T-C.
Other names: c.2072T>C, p.Leu691Pro (NM_001281492.2); c.1556T>C, p.Leu519Pro (NM_001281493.2, NM_001281494.2, NM_001406811.1 and 6 more transcripts); c.2558T>C, p.Leu853Pro (NM_001406795.1, NM_001406802.1); c.2462T>C, p.Leu821Pro (NM_001406796.1, NM_001406798.1, NM_001406800.1 and 2 more transcripts); c.2165T>C, p.Leu722Pro (NM_001406797.1, NM_001406801.1, NM_001406805.1 and 10 more transcripts); c.1937T>C, p.Leu646Pro (NM_001406799.1, NM_001406806.1, NM_001406807.1); c.2384T>C, p.Leu795Pro (NM_001406804.1); c.2468T>C, p.Leu823Pro (NM_001406813.1); and 1 more; short protein forms L646P, L691P, L722P, L795P, L821P, L823P, L853P, L519P.
Identifiers: ClinVar variation 1791655 (VCV001791655.2), dbSNP rs2104408025, ClinGen allele CA346754094.

ClinVar aggregate classification (germline): Uncertain significance (1 of 4 stars; one submission).

Conditions:
Hereditary cancer-predisposing syndrome. Also called: Hereditary Cancer Syndrome; Hereditary neoplastic syndrome; Tumor predisposition; Neoplastic Syndromes, Hereditary. Identifiers: Orphanet 140162, MedGen C0027672, MeSH D009386, MONDO:0015356.

Submission:

Ambry Genetics
Classification: Uncertain significance for Hereditary cancer-predisposing syndrome. Last evaluated: 2023-10-16. Review status: criteria provided, single submitter. Criteria: Ambry Variant Classification Scheme 2023. Collection method: clinical testing. Allele origin: germline.
Comment: The p.L821P variant (also known as c.2462T>C), located in coding exon 4 of the MSH6 gene, results from a T to C substitution at nucleotide position 2462. The leucine at codon 821 is replaced by proline, an amino acid with similar properties. In a study using in vitro mismatch repair activity assay, this alteration was found to have deficient mismatch repair activity and was classified by the study authors as pathogenic (Drost M et al. Genet. Med., 2020 Jan;:). This amino acid position is highly conserved in available vertebrate species. In addition, this alteration is predicted to be deleterious by in silico analysis. Since supporting evidence is limited at this time, the clinical significance of this alteration remains unclear.

Literature cited by the submitters: PubMed 31965077.